The following is an entry in ClinVar:

NC_000011.10:g.(?_108246954)_(108247137_?)del

Gene: ATM (ATM serine/threonine kinase; plus strand). Cytogenetic location: 11q22.3.
Variant type: Deletion.
Identifiers: ClinVar variation 584046 (VCV000584046.6).

ClinVar aggregate classification (germline): Pathogenic (1 of 4 stars; one submission).

Conditions:
Ataxia-telangiectasia syndrome (AT). Also called: Ataxia-telangiectasia, complementation group D; AT, COMPLEMENTATION GROUP C; Ataxia-telangiectasia, complementation group E; Cerebello-oculocutaneous telangiectasia; Immunodeficiency with ataxia telangiectasia; ATAXIA-TELANGIECTASIA, COMPLEMENTATION GROUP A. Identifiers: Orphanet 100, MedGen C0004135, MONDO:0008840, OMIM 208900.

Submission:

Labcorp Genetics (formerly Invitae), Labcorp
Classification: Pathogenic for Ataxia-telangiectasia syndrome. Last evaluated: 2022-10-23. Review status: criteria provided, single submitter. Criteria: Invitae Variant Classification Sherloc (09022015). Collection method: clinical testing. Allele origin: germline.
Comment: This variant is a gross deletion of the genomic region encompassing exon(s) 8 of the ATM gene. This deletion is out-of-frame, and is expected to create a premature termination codon and result in an absent or disrupted protein product. Loss-of-function variants in ATM are known to be pathogenic (PMID: 23807571, 25614872). A similar copy number variant has been observed in individual(s) with early-onset colorectal cancer (PMID: 27978560). For these reasons, this variant has been classified as Pathogenic.

Literature cited by the submitters: PubMed 23807571; PubMed 25614872; PubMed 27978560.